The following is an entry in ClinVar:

NM_001384140.1(PCDH15):c.705T>C (p.Asn235=)

Gene: PCDH15 (protocadherin related 15; minus strand). Cytogenetic location: 10q21.1.
Variant type: single nucleotide variant.
Coding change: c.705T>C on transcript NM_001384140.1 (MANE Select); coding-DNA position 705, T replaced by C.
Protein change: p.Asn235=; no amino-acid change (asparagine 235 retained).
Molecular consequence: synonymous variant. On other transcripts: intron variant (1).
Genome position (GRCh38, 1-based): chr10:54,329,596, A>G on the plus strand (T>C on the coding strand, the complement: PCDH15 is on the minus strand). VCF-style: chr10-54329596-A-G. GRCh37 (hg19) VCF-style: chr10-56089356-A-G.
Other names: c.720T>C, p.Asn240= (NM_001142763.2, NM_001142769.4, NM_001142771.2); c.705T>C, p.Asn235= (NM_001142764.2, NM_001142765.2, NM_001142766.2 and 7 more transcripts); c.639T>C, p.Asn213= (NM_001142768.2, NM_001142773.2, NM_001354404.2); c.595-12155T>C (NM_001142767.2).
Identifiers: ClinVar variation 990896 (VCV000990896.6), dbSNP rs112059717, ClinGen allele CA207582289.

ClinVar aggregate classification (germline): Uncertain significance. Review status: criteria provided, single submitter (1 of 4 stars). 2 submissions from 2 submitters: Uncertain significance (1). 1 of the submissions does not count toward it. Last evaluated 2022-07-14.

Conditions:
Usher syndrome type 1F (USH1F). Also called: USHER SYNDROME, TYPE IF. Identifiers: Orphanet 231169, Orphanet 886, MedGen C1865885, MONDO:0011186, OMIM 602083.

Allele frequency attached by ClinVar (database versions not stated): gnomAD exomes below 0.00001; TOPMed 0.00001.
gnomAD v4.1: 13 of 1,572,828 alleles (0.00083%); highest among the groups gnomAD compares: African/African-American, 0.0054%; no homozygotes.

Submissions (2):

Labcorp Genetics (formerly Invitae), Labcorp
Classification: Uncertain significance. Last evaluated: 2022-07-14. Review status: criteria provided, single submitter. Criteria: Invitae Variant Classification Sherloc (09022015). Collection method: clinical testing. Allele origin: germline.
Comment: This sequence change affects codon 235 of the PCDH15 mRNA. It is a 'silent' change, meaning that it does not change the encoded amino acid sequence of the PCDH15 protein. It affects a nucleotide within the consensus splice site. This variant is not present in population databases (gnomAD no frequency). This variant has not been reported in the literature in individuals affected with PCDH15-related conditions. ClinVar contains an entry for this variant (Variation ID: 990896). Algorithms developed to predict the effect of sequence changes on RNA splicing suggest that this variant is not likely to affect RNA splicing. In summary, the available evidence is currently insufficient to determine the role of this variant in disease. Therefore, it has been classified as a Variant of Uncertain Significance.

Natera, Inc.
Classification: Uncertain significance for Usher syndrome type 1F. Last evaluated: 2020-04-10. Review status: no assertion criteria provided. Collection method: clinical testing. Allele origin: germline. Not counted in ClinVar's aggregate classification.